The following is an entry in ClinVar:

NM_001429.4(EP300):c.1341A>G (p.Gln447=)

Gene: EP300 (EP300 lysine acetyltransferase; plus strand). Cytogenetic location: 22q13.2.
Variant type: single nucleotide variant.
Coding change: c.1341A>G on transcript NM_001429.4 (MANE Select); coding-DNA position 1341, A replaced by G.
Protein change: p.Gln447=; no amino-acid change (glutamine 447 retained).
Molecular consequence: synonymous variant.
Genome position (GRCh38, 1-based): chr22:41,131,446, A>G. VCF-style: chr22-41131446-A-G. GRCh37 (hg19) VCF-style: chr22-41527450-A-G.
Other names: c.1341A>G, p.Gln447= (NM_001362843.2).
Identifiers: ClinVar variation 1227722 (VCV001227722.6), dbSNP rs780940794, ClinGen allele CA10252491.

ClinVar aggregate classification (germline): Benign/Likely benign. Review status: criteria provided, multiple submitters, no conflicts (2 of 4 stars). 3 submissions from 3 submitters: Benign (2); Likely benign (1). Last evaluated 2026-07-01.

Conditions:
Rubinstein-Taybi syndrome due to EP300 haploinsufficiency. Also called: RUBINSTEIN-TAYBI SYNDROME 2; EP300-Related Rubinstein-Taybi Syndrome. Identifiers: Orphanet 353284, Orphanet 783, MedGen C3150941, MONDO:0013364, OMIM 613684.
EP300-related disorder. Also called: EP300-related condition; EP300-related disorders.

Allele frequency attached by ClinVar (database versions not stated): gnomAD exomes 0.00001; gnomAD 0.00002.
gnomAD v4.1: 18 of 1,613,994 alleles (0.0011%); highest among the groups gnomAD compares: East Asian, 0.036%; no homozygotes.

Submissions (3):

PreventionGenetics, part of Exact Sciences
Classification: Likely benign for EP300-related condition. Last evaluated: 2026-07-01. Review status: criteria provided, single submitter. Criteria: ACMG Guidelines, 2015. Collection method: clinical testing. Allele origin: germline.
Comment: This variant is classified as likely benign based on ACMG/AMP sequence variant interpretation guidelines (Richards et al. 2015 PMID: 25741868, with internal and published modifications).

Labcorp Genetics (formerly Invitae), Labcorp
Classification: Benign for Rubinstein-Taybi syndrome due to EP300 haploinsufficiency. Last evaluated: 2024-09-11. Review status: criteria provided, single submitter. Criteria: Invitae Variant Classification Sherloc (09022015). Collection method: clinical testing. Allele origin: germline.

GeneDx
Classification: Benign. Last evaluated: 2020-03-19. Review status: criteria provided, single submitter. Criteria: GeneDx Variant Classification Process June 2021. Collection method: clinical testing. Allele origin: germline. Affected: yes.